The following is an entry in ClinVar:

NM_001267550.2(TTN):c.107372T>C (p.Val35791Ala)

Genes: TTN (titin; minus strand), TTN-AS1 (TTN antisense RNA 1; plus strand). Cytogenetic location: 2q31.2.
Variant type: single nucleotide variant.
Coding change: c.107372T>C on transcript NM_001267550.2 (MANE Select); coding-DNA position 107372, T replaced by C.
Protein change: p.Val35791Ala; replaces valine 35791 with alanine.
Molecular consequence: missense variant.
Genome position (GRCh38, 1-based): chr2:178,528,279, A>G on the plus strand (T>C on the coding strand, the complement: TTN is on the minus strand). VCF-style: chr2-178528279-A-G. GRCh37 (hg19) VCF-style: chr2-179393006-A-G.
Other names: c.80177T>C, p.Val26726Ala (NM_003319.4); c.99668T>C, p.Val33223Ala (NM_133378.4); c.80552T>C, p.Val26851Ala (NM_133432.3); c.80753T>C, p.Val26918Ala (NM_133437.4); c.102449T>C, p.Val34150Ala (NM_001256850.1); short protein forms V35791A, V26918A, V34150A, V26726A, V26851A, V33223A.
Identifiers: ClinVar variation 2942956 (VCV002942956.3), dbSNP rs2468280432, ClinGen allele CA349401216.

ClinVar aggregate classification (germline): Uncertain significance (1 of 4 stars; one submission).

Conditions:
Dilated cardiomyopathy 1G (CMD1G). Identifiers: Orphanet 154, MedGen C1858763, MONDO:0011400, OMIM 604145.
Autosomal recessive limb-girdle muscular dystrophy type 2J (LGMDR10). Also called: MUSCULAR DYSTROPHY, LIMB-GIRDLE, AUTOSOMAL RECESSIVE 10; Limb-girdle muscular dystrophy, type 2J. Identifiers: Orphanet 140922, MedGen C1837342, MONDO:0012127, OMIM 608807.

Submission:

Labcorp Genetics (formerly Invitae), Labcorp
Classification: Uncertain significance for Dilated cardiomyopathy 1G; Autosomal recessive limb-girdle muscular dystrophy type 2J. Last evaluated: 2023-01-09. Review status: criteria provided, single submitter. Criteria: Invitae Variant Classification Sherloc (09022015). Collection method: clinical testing. Allele origin: germline.
Comment: This variant is located in the M band of TTN (PMID: 25589632). Variants in this region may be relevant for neuromuscular disorders, but have not been definitively shown to cause cardiomyopathy (PMID: 23975875). In summary, the available evidence is currently insufficient to determine the role of this variant in disease. Therefore, it has been classified as a Variant of Uncertain Significance. Experimental studies and prediction algorithms are not available or were not evaluated, and the functional significance of this variant is currently unknown. This variant has not been reported in the literature in individuals affected with TTN-related conditions. This variant is not present in population databases (gnomAD no frequency). This sequence change replaces valine, which is neutral and non-polar, with alanine, which is neutral and non-polar, at codon 35791 of the TTN protein (p.Val35791Ala).

Literature cited by the submitters: PubMed 25589632; PubMed 23975875.